The following is an entry in ClinVar:

NM_000222.3(KIT):c.309A>G (p.Leu103=)

Gene: KIT (KIT proto-oncogene, receptor tyrosine kinase; plus strand). Cytogenetic location: 4q12.
Variant type: single nucleotide variant.
Coding change: c.309A>G on transcript NM_000222.3 (MANE Select); coding-DNA position 309, A replaced by G.
Protein change: p.Leu103=; no amino-acid change (leucine 103 retained).
Molecular consequence: synonymous variant.
Genome position (GRCh38, 1-based): chr4:54,695,753, A>G. VCF-style: chr4-54695753-A-G. GRCh37 (hg19) VCF-style: chr4-55561919-A-G.
Other names: c.309A>G, p.Leu103= (NM_001385288.1, NM_001385290.1, NM_001385292.1 and 4 more transcripts).
Identifiers: ClinVar variation 3230681 (VCV003230681.2), dbSNP rs2475442280, ClinGen allele CA439409229.

ClinVar aggregate classification (germline): Benign/Likely benign. Review status: criteria provided, multiple submitters, no conflicts (2 of 4 stars). 2 submissions from 2 submitters: Benign (1); Likely benign (1). Last evaluated 2026-06-03.

Conditions:
Hereditary cancer-predisposing syndrome. Also called: Neoplastic Syndromes, Hereditary; Tumor predisposition; Hereditary Cancer Syndrome; Hereditary neoplastic syndrome. Identifiers: Orphanet 140162, MedGen C0027672, MeSH D009386, MONDO:0015356.
Gastrointestinal stromal tumor. Also called: Gastrointestinal stromal tumor, somatic; Gastrointestinal stroma tumor. Identifiers: Orphanet 44890, MedGen C0238198, MeSH D046152, MONDO:0011719, OMIM 606764, HP:0100723.

Submissions (2):

Myriad Genetics, Inc.
Classification: Benign for Gastrointestinal stromal tumor. Last evaluated: 2026-06-03. Review status: criteria provided, single submitter. Criteria: Myriad Autosomal Dominant, Autosomal Recessive and X-Linked Classification Criteria (2023). Collection method: clinical testing. Allele origin: unknown.
Comment: This variant is considered benign. This variant is a silent/synonymous amino acid change and it is not expected to impact splicing.

Ambry Genetics
Classification: Likely benign for Hereditary cancer-predisposing syndrome. Last evaluated: 2023-12-22. Review status: criteria provided, single submitter. Criteria: Ambry Variant Classification Scheme 2023. Collection method: clinical testing. Allele origin: germline.